The following is an entry in ClinVar:

NM_003922.4(HERC1):c.9668G>T (p.Arg3223Leu)

Gene: HERC1 (HECT and RLD domain containing E3 ubiquitin protein ligase family member 1; minus strand). Cytogenetic location: 15q22.31.
Variant type: single nucleotide variant.
Coding change: c.9668G>T on transcript NM_003922.4 (MANE Select); coding-DNA position 9668, G replaced by T.
Protein change: p.Arg3223Leu; replaces arginine 3223 with leucine.
Molecular consequence: missense variant.
Genome position (GRCh38, 1-based): chr15:63,656,290, C>A on the plus strand (G>T on the coding strand, the complement: HERC1 is on the minus strand). VCF-style: chr15-63656290-C-A. GRCh37 (hg19) VCF-style: chr15-63948489-C-A.
Other names: short protein forms R3223L.
Identifiers: ClinVar variation 1997695 (VCV001997695.4), dbSNP rs759638200, ClinGen allele CA392758002.

ClinVar aggregate classification (germline): Uncertain significance (1 of 4 stars; one submission).

Submission:

Labcorp Genetics (formerly Invitae), Labcorp
Classification: Uncertain significance. Last evaluated: 2023-08-17. Review status: criteria provided, single submitter. Criteria: Invitae Variant Classification Sherloc (09022015). Collection method: clinical testing. Allele origin: germline.
Comment: In summary, the available evidence is currently insufficient to determine the role of this variant in disease. Therefore, it has been classified as a Variant of Uncertain Significance. An algorithm developed to predict the effect of missense changes on protein structure and function (PolyPhen-2) suggests that this variant is likely to be disruptive. ClinVar contains an entry for this variant (Variation ID: 1997695). This variant has not been reported in the literature in individuals affected with HERC1-related conditions. This variant is not present in population databases (gnomAD no frequency). This sequence change replaces arginine, which is basic and polar, with leucine, which is neutral and non-polar, at codon 3223 of the HERC1 protein (p.Arg3223Leu).